The following is an entry in ClinVar:

ClinVar aggregate classification (germline): Uncertain significance. Review status: criteria provided, multiple submitters, no conflicts (2 of 4 stars). 2 submissions from 2 submitters: Uncertain significance (2). Last evaluated 2024-03-29.

Conditions:
Inborn genetic diseases. Identifiers: MedGen C0950123, MeSH D030342.

gnomAD v4.1: 4 of 1,614,080 alleles (0.00025%); highest among the groups gnomAD compares: Non-Finnish European, 0.00034%; no homozygotes.

Submissions (2):

GeneDx
Classification: Uncertain significance. Last evaluated: 2024-03-29. Review status: criteria provided, single submitter. Criteria: GeneDx Variant Classification Process June 2021. Collection method: clinical testing. Allele origin: germline. Affected: yes.
Comment: Not observed at significant frequency in large population cohorts (gnomAD); In silico analysis supports that this missense variant does not alter protein structure/function; Has not been previously published as pathogenic or benign to our knowledge; This variant is associated with the following publications: (PMID: 27535533)

Ambry Genetics
Classification: Uncertain significance for Inborn genetic diseases. Last evaluated: 2023-05-31. Review status: criteria provided, single submitter. Criteria: Ambry Variant Classification Scheme 2023. Collection method: clinical testing. Allele origin: germline.

NM_015100.4(POGZ):c.2467G>C (p.Val823Leu)

Gene: POGZ (pogo transposable element derived with ZNF domain; minus strand). Cytogenetic location: 1q21.3.
Variant type: single nucleotide variant.
Coding change: c.2467G>C on transcript NM_015100.4 (MANE Select); coding-DNA position 2467, G replaced by C.
Protein change: p.Val823Leu; replaces valine 823 with leucine.
Molecular consequence: missense variant.
Genome position (GRCh38, 1-based): chr1:151,406,989, C>G on the plus strand (G>C on the coding strand, the complement: POGZ is on the minus strand). VCF-style: chr1-151406989-C-G. GRCh37 (hg19) VCF-style: chr1-151379465-C-G.
Other names: c.2440G>C, p.Val814Leu (NM_001194937.2); c.2281G>C, p.Val761Leu (NM_001194938.2); c.2488G>C, p.Val830Leu (NM_001410860.1); c.2182G>C, p.Val728Leu (NM_145796.4); c.2308G>C, p.Val770Leu (NM_207171.2); short protein forms V814L, V728L, V761L, V770L, V823L, V830L.
Identifiers: ClinVar variation 2554587 (VCV002554587.3), dbSNP rs548873488, ClinGen allele CA29569911.